The following is an entry in ClinVar:

ClinVar aggregate classification (germline): Pathogenic. Review status: criteria provided, multiple submitters, no conflicts (2 of 4 stars). 2 submissions from 2 submitters: Pathogenic (2). Last evaluated 2020-12-04.

Conditions:
Charcot-Marie-Tooth disease, type I (CMT1). Also called: Charcot-Marie-Tooth disease type 1; Charcot-Marie-Tooth, Type 1. Identifiers: Orphanet 65753, MedGen C0751036, MONDO:0019011.

Submissions (2):

Labcorp Genetics (formerly Invitae), Labcorp
Classification: Pathogenic for Charcot-Marie-Tooth disease, type I. Last evaluated: 2020-12-04. Review status: criteria provided, single submitter. Criteria: Invitae Variant Classification Sherloc (09022015). Collection method: clinical testing. Allele origin: germline.
Comment: Algorithms developed to predict the effect of missense changes on protein structure and function (SIFT, PolyPhen-2, Align-GVGD) all suggest that this variant is likely to be disruptive, but these predictions have not been confirmed by published functional studies and their clinical significance is uncertain. This sequence change replaces arginine with leucine at codon 381 of the EGR2 protein (p.Arg381Leu). The arginine residue is highly conserved and there is a moderate physicochemical difference between arginine and leucine. This variant is not present in population databases (ExAC no frequency). This variant has been observed in individual(s) with autosomal dominant Charcot-Marie-Tooth disease (PMID: 30889162). In at least one individual the variant was observed to be de novo. This variant disrupts the p.Arg381 amino acid residue in EGR2. Other variant(s) that disrupt this residue have been determined to be pathogenic (PMID: 10762521, 11239949, 12471219, 20513111, 25720245). This suggests that this residue is clinically significant, and that variants that disrupt this residue are likely to be disease-causing. For these reasons, this variant has been classified as Pathogenic.

GeneDx
Classification: Pathogenic. Last evaluated: 2020-06-10. Review status: criteria provided, single submitter. Criteria: GeneDx Variant Classification Process June 2021. Collection method: clinical testing. Allele origin: germline. Affected: yes.
Comment: Not observed in large population cohorts (Lek et al., 2016); In silico analysis supports that this missense variant has a deleterious effect on protein structure/function; This variant is associated with the following publications: (PMID: 32376792, 30889162)

Literature cited by the submitters: PubMed 30889162 (cited by Labcorp Genetics (formerly Invitae), Labcorp); PubMed 10762521 (cited by Labcorp Genetics (formerly Invitae), Labcorp); PubMed 11239949 (cited by Labcorp Genetics (formerly Invitae), Labcorp); PubMed 12471219 (cited by Labcorp Genetics (formerly Invitae), Labcorp); PubMed 20513111 (cited by Labcorp Genetics (formerly Invitae), Labcorp); PubMed 25720245 (cited by Labcorp Genetics (formerly Invitae), Labcorp).

NM_000399.5(EGR2):c.1142G>T (p.Arg381Leu)

Gene: EGR2 (early growth response 2; minus strand). Cytogenetic location: 10q21.3.
Variant type: single nucleotide variant.
Coding change: c.1142G>T on transcript NM_000399.5 (MANE Select); coding-DNA position 1142, G replaced by T.
Protein change: p.Arg381Leu; replaces arginine 381 with leucine.
Molecular consequence: missense variant.
Genome position (GRCh38, 1-based): chr10:62,813,496, C>A on the plus strand (G>T on the coding strand, the complement: EGR2 is on the minus strand). VCF-style: chr10-62813496-C-A. GRCh37 (hg19) VCF-style: chr10-64573256-C-A.
Other names: c.1142G>T, p.Arg381Leu (NM_001136177.3, NM_001136178.2); c.992G>T, p.Arg331Leu (NM_001136179.3, NM_001321037.2); short protein forms R331L, R381L.
Identifiers: ClinVar variation 1075624 (VCV001075624.11), dbSNP rs281865137, ClinGen allele CA377027527.